The following is an entry in ClinVar:

ClinVar aggregate classification (germline): Uncertain significance (1 of 4 stars; one submission).

Submission:

GeneDx
Classification: Uncertain significance. Last evaluated: 2025-01-08. Review status: criteria provided, single submitter. Criteria: GeneDx Variant Classification Process June 2021. Collection method: clinical testing. Allele origin: germline. Affected: yes.
Comment: Not observed at significant frequency in large population cohorts (gnomAD); In silico analysis supports that this missense variant has a deleterious effect on protein structure/function; Has not been previously published as pathogenic or benign to our knowledge

NM_000552.5(VWF):c.5009G>A (p.Cys1670Tyr)

Gene: VWF (von Willebrand factor; minus strand). Cytogenetic location: 12p13.31.
Variant type: single nucleotide variant.
Coding change: c.5009G>A on transcript NM_000552.5 (MANE Select); coding-DNA position 5009, G replaced by A.
Protein change: p.Cys1670Tyr; replaces cysteine 1670 with tyrosine.
Molecular consequence: missense variant.
Genome position (GRCh38, 1-based): chr12:6,018,409, C>T on the plus strand (G>A on the coding strand, the complement: VWF is on the minus strand). VCF-style: chr12-6018409-C-T. GRCh37 (hg19) VCF-style: chr12-6127575-C-T.
Other names: short protein forms C1670Y.
Identifiers: ClinVar variation 4056993 (VCV004056993.1).